The following is an entry in ClinVar:

NM_000388.4(CASR):c.1A>C (p.Met1Leu)

Gene: CASR (calcium sensing receptor; plus strand). Cytogenetic location: 3q21.1.
Variant type: single nucleotide variant.
Coding change: c.1A>C on transcript NM_000388.4 (MANE Select); coding-DNA position 1, A replaced by C.
Protein change: p.Met1Leu; changes the start codon (methionine 1).
Molecular consequence: missense variant, initiator codon variant.
Genome position (GRCh38, 1-based): chr3:122,254,190, A>C. VCF-style: chr3-122254190-A-C. GRCh37 (hg19) VCF-style: chr3-121973037-A-C.
Other names: c.1A>C, p.Met1Leu (NM_001178065.2); short protein forms M1L.
Identifiers: ClinVar variation 1784165 (VCV001784165.3), dbSNP rs2107624704, ClinGen allele CA354361909.
Genomic context (GRCh38, chr3:122,254,190, plus strand): 5'-TTCTGGGAGCCTCCAAACTCCTAGCTGTCTCATCCCTTGCCCTGGAGAGACGGCAGAACC[A>C]TGGCATTTTATAGCTGCTGCTGGGTCCTCTTGGCACTCACCTGGCACACCTCTGCCTACG-3'
Protein context (NP_000379.3, residues 1-11): [Met1Leu]AFYSCCWVLL

ClinVar aggregate classification (germline): Likely pathogenic (1 of 4 stars; one submission).

Conditions:
Nephrolithiasis/nephrocalcinosis. Identifiers: MedGen CN580796.

Submission:

Ambry Genetics
Classification: Likely pathogenic for Nephrolithiasis/nephrocalcinosis. Last evaluated: 2020-11-10. Review status: criteria provided, single submitter. Criteria: Ambry Variant Classification Scheme 2023. Collection method: clinical testing. Allele origin: germline.
Comment: The p.M1? variant (also known as c.1A>C) is located in coding exon 1 of the CASR gene and results from an A to C substitution at nucleotide position 1. This alters the methionine residue at the initiation codon (ATG). This amino acid position is highly conserved in available vertebrate species. Another alteration at the same initiation codon, p.M1? (c.2T>G), has been described in a homozygous neonatal severe hyperparathyroidism case, with high normal calcium levels detected in one carrier parent (de Andrade SC et al. Clin Endocrinol (Oxf), 2006 Dec;65:826-7). In addition to the clinical data presented in the literature, sequence variations that modify the initiation codon are expected to result in either loss of translation initiation, N-terminal truncation, or cause a shift in the mRNA reading frame. Based on the majority of available evidence to date, this variant is likely to be pathogenic.

Literature cited by the submitters: PubMed 17121537.